The following is an entry in ClinVar:

NM_145059.3(FCSK):c.522C>T (p.Ile174=)

Gene: FCSK (fucose kinase; plus strand). Cytogenetic location: 16q22.1.
Variant type: single nucleotide variant.
Coding change: c.522C>T on transcript NM_145059.3 (MANE Select); coding-DNA position 522, C replaced by T.
Protein change: p.Ile174=; no amino-acid change (isoleucine 174 retained).
Molecular consequence: synonymous variant.
Genome position (GRCh38, 1-based): chr16:70,467,411, C>T. VCF-style: chr16-70467411-C-T. GRCh37 (hg19) VCF-style: chr16-70501314-C-T.
Other names: p.Ile174=.
Identifiers: ClinVar variation 1297918 (VCV001297918.13), dbSNP rs35036235, ClinGen allele CA8142971.
Genomic context (GRCh38, chr16:70,467,411, plus strand): 5'-CTCCTGACTGCCCCACCCCACAGGTATCAGCTGGGACAGCTTCCGGGGAGCCAGAGTGAT[C>T]GCCCTCCCAGGGAGCCCGGCCTACGCTCAGAATCATGGCGTCTACCTAACTGACCCCCAG-3'
Protein context (NP_659496.2, residues 164-184): SWDSFRGARV[Ile174=]ALPGSPAYAQ

ClinVar aggregate classification (germline): Benign. Review status: criteria provided, multiple submitters, no conflicts (2 of 4 stars). 5 submissions from 5 submitters: Benign (4). 1 of the submissions does not count toward it. Last evaluated 2026-02-01.

Conditions:
FCSK-related disorder. Also called: FCSK-related condition.

Allele frequency attached by ClinVar (database versions not stated): gnomAD exomes 0.02707; 1000 Genomes Project 30x 0.01968; ExAC 0.02868; ESP Exome Variant Server 0.00173; 1000 Genomes Project 0.01937; TOPMed 0.02027; gnomAD 0.01109 and 0.01164.
gnomAD v4.1: 12,138 of 1,610,528 alleles (0.75%); highest among the groups gnomAD compares: Admixed American, 14%; 877 homozygotes.

Submissions (5):

Labcorp Genetics (formerly Invitae), Labcorp
Classification: Benign. Last evaluated: 2026-02-01. Review status: criteria provided, single submitter. Criteria: Invitae Variant Classification Sherloc (09022015). Collection method: clinical testing. Allele origin: germline.

Mayo Clinic Laboratories, Mayo Clinic
Classification: Benign. Last evaluated: 2024-11-16. Review status: criteria provided, single submitter. Criteria: ACMG Guidelines, 2015. Collection method: clinical testing. Allele origin: germline. Observed: 2 variant alleles.

GeneDx
Classification: Benign. Last evaluated: 2020-11-11. Review status: criteria provided, single submitter. Criteria: GeneDx Variant Classification Process June 2021. Collection method: clinical testing. Allele origin: germline. Affected: yes.

Breakthrough Genomics
Classification: Benign. Review status: criteria provided, single submitter. Criteria: ACMG Guidelines, 2015. Collection method: not provided. Allele origin: germline. Inheritance: Autosomal recessive inheritance. Affected: yes.

PreventionGenetics, part of Exact Sciences
Classification: Benign for FCSK-related condition. Last evaluated: 2019-07-11. Review status: no assertion criteria provided. Collection method: clinical testing. Allele origin: germline. Not counted in ClinVar's aggregate classification.
Comment: This variant is classified as benign based on ACMG/AMP sequence variant interpretation guidelines (Richards et al. 2015 PMID: 25741868, with internal and published modifications).